The following is an entry in ClinVar:

NM_033026.6(PCLO):c.13731_13732delinsAT (p.Gln4578Ter)

Gene: PCLO (piccolo presynaptic cytomatrix protein; minus strand). Cytogenetic location: 7q21.11.
Variant type: Indel.
Coding change: c.13731_13732delinsAT on transcript NM_033026.6 (MANE Select); coding-DNA positions 13731 to 13732, GC replaced by AT.
Protein change: p.Gln4578Ter; replaces glutamine 4578 with a stop codon.
Molecular consequence: nonsense.
Genome position (GRCh38, 1-based): chr7:82,847,170-82,847,171, GC replaced by AT on the plus strand (GC replaced by AT on the coding strand, the reverse complement: PCLO is on the minus strand). VCF-style: chr7-82847170-GC-AT. GRCh37 (hg19) VCF-style: chr7-82476486-GC-AT.
Other names: c.13731_13732delinsAT, p.Gln4578Ter (NM_014510.3); short protein forms Q4578*.
Identifiers: ClinVar variation 2026995 (VCV002026995.4), dbSNP rs2535333218, ClinGen allele CA2580077415.

ClinVar aggregate classification (germline): Pathogenic (1 of 4 stars; one submission).

Submission:

Labcorp Genetics (formerly Invitae), Labcorp
Classification: Pathogenic. Last evaluated: 2022-11-22. Review status: criteria provided, single submitter. Criteria: Invitae Variant Classification Sherloc (09022015). Collection method: clinical testing. Allele origin: germline.
Comment: This sequence change creates a premature translational stop signal (p.Gln4578*) in the PCLO gene. It is expected to result in an absent or disrupted protein product. Loss-of-function variants in PCLO are known to be pathogenic (PMID: 25832664, 30287594). Information on the frequency of this variant in the gnomAD database is not available, as this variant may be reported differently in the database. For these reasons, this variant has been classified as Pathogenic. This variant has not been reported in the literature in individuals affected with PCLO-related conditions.

Literature cited by the submitters: PubMed 25832664; PubMed 30287594.